The following is an entry in ClinVar:

ClinVar aggregate classification (germline): Benign. Review status: criteria provided, multiple submitters, no conflicts (2 of 4 stars). 2 submissions from 2 submitters: Benign (2). Last evaluated 2018-01-12.

Conditions:
COG8-congenital disorder of glycosylation. Also called: CDG IIh; COG8-CDG. Identifiers: Orphanet 95428, MedGen C1970021, MONDO:0012635, OMIM 611182.

Allele frequency attached by ClinVar (database versions not stated): TOPMed 0.05331; gnomAD 0.05746 and 0.06024; 1000 Genomes Project 30x 0.06230; 1000 Genomes Project 0.06450; gnomAD exomes 0.07042.

Submissions (2):

Illumina Laboratory Services, Illumina
Classification: Benign for COG8-congenital disorder of glycosylation. Last evaluated: 2018-01-12. Review status: criteria provided, single submitter. Criteria: ICSL Variant Classification Criteria 13 December 2019. Collection method: clinical testing. Allele origin: germline.
Comment: This variant was observed in the ICSL laboratory as part of a predisposition screen in an ostensibly healthy population. It had not been previously curated by ICSL or reported in the Human Gene Mutation Database (HGMD: prior to June 1st, 2018), and was therefore a candidate for classification through an automated scoring system. Utilizing variant allele frequency, disease prevalence and penetrance estimates, and inheritance mode, an automated score was calculated to assess if this variant is too frequent to cause the disease. Based on the score and internal cut-off values, a variant classified as benign is not then subjected to further curation. The score for this variant resulted in a classification of benign for this disease.

Breakthrough Genomics
Classification: Benign. Review status: criteria provided, single submitter. Criteria: ACMG Guidelines, 2015. Collection method: not provided. Allele origin: germline. Inheritance: Unknown mechanism. Affected: yes.

NM_032382.5(COG8):c.*332A>T

Genes: COG8 (component of oligomeric golgi complex 8; minus strand), PDF (peptide deformylase, mitochondrial; minus strand). Cytogenetic location: 16q22.1.
Variant type: single nucleotide variant.
Coding change: c.*332A>T on transcript NM_032382.5 (MANE Select); 332 bases downstream of the stop codon, A replaced by T.
Molecular consequence: 3 prime UTR variant.
Genome position (GRCh38, 1-based): chr16:69,328,874, T>A on the plus strand (A>T on the coding strand, the complement: COG8 is on the minus strand). VCF-style: chr16-69328874-T-A. GRCh37 (hg19) VCF-style: chr16-69362777-T-A.
Other names: c.*148A>T (NM_022341.2, NM_001379262.1, NM_001379265.1); c.*332A>T (NM_001379261.1, NM_001379263.1); c.*329A>T (NM_001379264.1); c.*162A>T (NM_001379266.1).
Identifiers: ClinVar variation 320305 (VCV000320305.6), dbSNP rs1055401, ClinGen allele CA10648821.